The following is an entry in ClinVar:

NM_000217.3(KCNA1):c.94G>C (p.Asp32His)

Gene: KCNA1 (potassium voltage-gated channel subfamily A member 1; plus strand). Cytogenetic location: 12p13.32.
Variant type: single nucleotide variant.
Coding change: c.94G>C on transcript NM_000217.3 (MANE Select); coding-DNA position 94, G replaced by C.
Protein change: p.Asp32His; replaces aspartic acid 32 with histidine.
Molecular consequence: missense variant.
Genome position (GRCh38, 1-based): chr12:4,911,472, G>C. VCF-style: chr12-4911472-G-C. GRCh37 (hg19) VCF-style: chr12-5020638-G-C.
Other names: short protein forms D32H.
Identifiers: ClinVar variation 1318467 (VCV001318467.4), dbSNP rs1947351128, ClinGen allele CA383453783.

ClinVar aggregate classification (germline): Uncertain significance. Review status: criteria provided, multiple submitters, no conflicts (2 of 4 stars). 2 submissions from 2 submitters: Uncertain significance (2). Last evaluated 2024-04-10.

Conditions:
Episodic ataxia type 1 (EA1). Also called: ATAXIA, EPISODIC, WITH MYOKYMIA; MYOKYMIA WITH PERIODIC ATAXIA; PAROXYSMAL ATAXIA WITH NEUROMYOTONIA, HEREDITARY; Episodic ataxia/myokymia syndrome. Identifiers: Orphanet 37612, Orphanet 972, MedGen C1719788, MONDO:0008047, OMIM 160120.

Submissions (2):

Labcorp Genetics (formerly Invitae), Labcorp
Classification: Uncertain significance for Episodic ataxia type 1. Last evaluated: 2024-04-10. Review status: criteria provided, single submitter. Criteria: Invitae Variant Classification Sherloc (09022015). Collection method: clinical testing. Allele origin: germline.
Comment: This sequence change replaces aspartic acid, which is acidic and polar, with histidine, which is basic and polar, at codon 32 of the KCNA1 protein (p.Asp32His). This variant is not present in population databases (gnomAD no frequency). This variant has not been reported in the literature in individuals affected with KCNA1-related conditions. ClinVar contains an entry for this variant (Variation ID: 1318467). Advanced modeling of protein sequence and biophysical properties (such as structural, functional, and spatial information, amino acid conservation, physicochemical variation, residue mobility, and thermodynamic stability) performed at Invitae indicates that this missense variant is not expected to disrupt KCNA1 protein function with a negative predictive value of 95%. In summary, the available evidence is currently insufficient to determine the role of this variant in disease. Therefore, it has been classified as a Variant of Uncertain Significance.

GeneDx
Classification: Uncertain significance. Last evaluated: 2019-09-06. Review status: criteria provided, single submitter. Criteria: GeneDx Variant Classification Process June 2021. Collection method: clinical testing. Allele origin: germline. Affected: yes.
Comment: Not observed in large population cohorts (Lek et al., 2016); In silico analysis, which includes protein predictors and evolutionary conservation, supports that this variant does not alter protein structure/function; Has not been previously published as pathogenic or benign to our knowledge